The following is an entry in ClinVar:

ClinVar aggregate classification (germline): Likely benign. Review status: criteria provided, multiple submitters, no conflicts (2 of 4 stars). 3 submissions from 3 submitters: Likely benign (2). 1 of the submissions does not count toward it. Last evaluated 2025-08-15.

Conditions:
ARHGEF18-related disorder. Also called: ARHGEF18-related condition.

Allele frequency attached by ClinVar (database versions not stated): gnomAD exomes 0.00007; ExAC 0.00012; 1000 Genomes Project 30x 0.00016; 1000 Genomes Project 0.00020.
gnomAD v4.1: 33 of 1,578,086 alleles (0.0021%); highest among the groups gnomAD compares: East Asian, 0.04%; no homozygotes.

Submissions (3):

Labcorp Genetics (formerly Invitae), Labcorp
Classification: Likely benign. Last evaluated: 2025-08-15. Review status: criteria provided, single submitter. Criteria: Invitae Variant Classification Sherloc (09022015). Collection method: clinical testing. Allele origin: germline.

Blueprint Genetics
Classification: Likely benign. Last evaluated: 2023-12-04. Review status: criteria provided, single submitter. Criteria: ACMG Guidelines, 2015. Collection method: clinical testing. Allele origin: germline.

PreventionGenetics, part of Exact Sciences
Classification: Likely benign for ARHGEF18-related condition. Last evaluated: 2024-03-13. Review status: no assertion criteria provided. Collection method: clinical testing. Allele origin: germline. Not counted in ClinVar's aggregate classification.
Comment: This variant is classified as likely benign based on ACMG/AMP sequence variant interpretation guidelines (Richards et al. 2015 PMID: 25741868, with internal and published modifications).

NM_001367823.1(ARHGEF18):c.2370C>T (p.Asp790=)

Gene: ARHGEF18 (Rho/Rac guanine nucleotide exchange factor 18; plus strand). Cytogenetic location: 19p13.2.
Variant type: single nucleotide variant.
Coding change: c.2370C>T on transcript NM_001367823.1 (MANE Select); coding-DNA position 2370, C replaced by T.
Protein change: p.Asp790=; no amino-acid change (aspartic acid 790 retained).
Molecular consequence: synonymous variant.
Genome position (GRCh38, 1-based): chr19:7,459,912, C>T. VCF-style: chr19-7459912-C-T. GRCh37 (hg19) VCF-style: chr19-7524798-C-T.
Other names: c.1644C>T, p.Asp548= (NM_001130955.2); c.1332C>T, p.Asp444= (NM_001367824.1, NM_015318.4); c.1806C>T (NM_001130955.1).
Identifiers: ClinVar variation 1089563 (VCV001089563.11), dbSNP rs186079821, ClinGen allele CA9136815.
Genomic context (GRCh38, chr19:7,459,912, plus strand): 5'-GGCTGGCCTGCCTGGGAAGCACAGTTACCCACCCGACTCCTCTCCCTGCAGCTGCCCTGA[C>T]GAGGAGGAGGGGCCCTTCAGCCTGCCCGAAGAGGAAAGGAAGGTGGTCGAGGCCCGCGCC-3'
Protein context (NP_001354752.1, residues 780-800): HIQRAVESCP[Asp790=]EEEGPFSLPE